The following is an entry in ClinVar:

ClinVar aggregate classification (germline): Likely benign (0 of 4 stars; one submission).

Conditions:
PRKG1-related disorder. Also called: PRKG1-related condition.

Submission:

PreventionGenetics, part of Exact Sciences
Classification: Likely benign for PRKG1-related condition. Last evaluated: 2019-10-14. Review status: no assertion criteria provided. Collection method: clinical testing. Allele origin: germline.
Comment: This variant is classified as likely benign based on ACMG/AMP sequence variant interpretation guidelines (Richards et al. 2015 PMID: 25741868, with internal and published modifications).

NM_001098512.3(PRKG1):c.144A>C (p.Pro48=)

Gene: PRKG1 (protein kinase cGMP-dependent 1; plus strand). Cytogenetic location: 10q11.23.
Variant type: single nucleotide variant.
Coding change: c.144A>C on transcript NM_001098512.3; coding-DNA position 144, A replaced by C.
Protein change: p.Pro48=; no amino-acid change (proline 48 retained).
Molecular consequence: synonymous variant.
Genome position (GRCh38, 1-based): chr10:50,991,522, A>C. VCF-style: chr10-50991522-A-C. GRCh37 (hg19) VCF-style: chr10-52751282-A-C.
Identifiers: ClinVar variation 3045781 (VCV003045781.2), dbSNP rs2493011752, ClinGen allele CA469795452.